The following is an entry in ClinVar:

ClinVar aggregate classification (germline): Conflicting classifications of pathogenicity. Review status: criteria provided, conflicting classifications (1 of 4 stars). 2 submissions from 2 submitters: Uncertain significance (1); Likely benign (1). Last evaluated 2024-06-17.

Conditions:
Anophthalmia-microphthalmia syndrome. Also called: Anophthalmia/Microphthalmia; Anophthalmia - microphthalmia. Identifiers: Orphanet 98555, MedGen C5680330, MONDO:0020147.

Allele frequency attached by ClinVar (database versions not stated): gnomAD exomes below 0.00001; gnomAD 0.00001.
gnomAD v4.1: 1 of 1,614,026 alleles (0.000062%); highest among the groups gnomAD compares: East Asian, 0.0022%; no homozygotes.

Submissions (2):

Labcorp Genetics (formerly Invitae), Labcorp
Classification: Likely benign for Anophthalmia-microphthalmia syndrome. Last evaluated: 2024-06-17. Review status: criteria provided, single submitter. Criteria: Invitae Variant Classification Sherloc (09022015). Collection method: clinical testing. Allele origin: germline.

GeneDx
Classification: Uncertain significance. Last evaluated: 2019-09-30. Review status: criteria provided, single submitter. Criteria: GeneDx Variant Classification Process June 2021. Collection method: clinical testing. Allele origin: germline. Affected: yes.
Comment: In silico analysis, which includes splice predictors and evolutionary conservation, supports that this variant does not alter protein structure/function; Has not been previously published as pathogenic or benign to our knowledge

NM_021728.4(OTX2):c.150G>A (p.Arg50=)

Gene: OTX2 (orthodenticle homeobox 2; minus strand). Cytogenetic location: 14q22.3.
Variant type: single nucleotide variant.
Coding change: c.150G>A on transcript NM_021728.4 (MANE Select); coding-DNA position 150, G replaced by A.
Protein change: p.Arg50=; no amino-acid change (arginine 50 retained).
Molecular consequence: synonymous variant.
Genome position (GRCh38, 1-based): chr14:56,804,311, C>T on the plus strand (G>A on the coding strand, the complement: OTX2 is on the minus strand). VCF-style: chr14-56804311-C-T. GRCh37 (hg19) VCF-style: chr14-57271029-C-T.
Other names: c.126G>A, p.Arg42= (NM_001270523.2, NM_001270524.2, NM_172337.3); c.150G>A, p.Arg50= (NM_001270525.2).
Identifiers: ClinVar variation 1312197 (VCV001312197.6), dbSNP rs1246931412, ClinGen allele CA486584116.